The following is an entry in ClinVar:

NM_001170629.2(CHD8):c.1631G>A (p.Arg544Lys)

Gene: CHD8 (chromodomain helicase DNA binding protein 8; minus strand). Cytogenetic location: 14q11.2.
Variant type: single nucleotide variant.
Coding change: c.1631G>A on transcript NM_001170629.2 (MANE Select); coding-DNA position 1631, G replaced by A.
Protein change: p.Arg544Lys; replaces arginine 544 with lysine.
Molecular consequence: missense variant.
Genome position (GRCh38, 1-based): chr14:21,426,213, C>T on the plus strand (G>A on the coding strand, the complement: CHD8 is on the minus strand). VCF-style: chr14-21426213-C-T. GRCh37 (hg19) VCF-style: chr14-21894372-C-T.
Other names: c.794G>A, p.Arg265Lys (NM_020920.4); short protein forms R265K, R544K.
Identifiers: ClinVar variation 3720333 (VCV003720333.2).

ClinVar aggregate classification (germline): Uncertain significance (1 of 4 stars; one submission).

gnomAD v4.1: 1 of 1,608,404 alleles (0.000062%); highest among the groups gnomAD compares: Non-Finnish European, 0.000085%; no homozygotes.

Submission:

Labcorp Genetics (formerly Invitae), Labcorp
Classification: Uncertain significance. Last evaluated: 2025-03-04. Review status: criteria provided, single submitter. Criteria: Invitae Variant Classification Sherloc (09022015). Collection method: clinical testing. Allele origin: germline.
Comment: This sequence change replaces arginine, which is basic and polar, with lysine, which is basic and polar, at codon 544 of the CHD8 protein (p.Arg544Lys). This variant is not present in population databases (gnomAD no frequency). This variant has not been reported in the literature in individuals affected with CHD8-related conditions. Invitae Evidence Modeling of protein sequence and biophysical properties (such as structural, functional, and spatial information, amino acid conservation, physicochemical variation, residue mobility, and thermodynamic stability) indicates that this missense variant is not expected to disrupt CHD8 protein function with a negative predictive value of 95%. In summary, the available evidence is currently insufficient to determine the role of this variant in disease. Therefore, it has been classified as a Variant of Uncertain Significance.